The following is an entry in ClinVar:

ClinVar aggregate classification (germline): Conflicting classifications of pathogenicity. Review status: criteria provided, conflicting classifications (1 of 4 stars). 3 submissions from 3 submitters: Uncertain significance (2); Likely benign (1). Last evaluated 2025-12-03.

Conditions:
Inborn genetic diseases. Identifiers: MedGen C0950123, MeSH D030342.
Hypokalemic periodic paralysis, type 1. Also called: HypoPP; Hypokalemic Periodic Paralysis Type 1 (AD). Identifiers: Orphanet 681, MedGen C3714580, MONDO:0042979, OMIM 170400.
Malignant hyperthermia, susceptibility to, 5 (MHS5). Also called: CACNA1S-Related Malignant Hyperthermia Susceptibility. Identifiers: Orphanet 423, MedGen C1866077, MONDO:0011163, OMIM 601887.

Allele frequency attached by ClinVar (database versions not stated): ExAC 0.00001; TOPMed 0.00002.

Submissions (3):

Labcorp Genetics (formerly Invitae), Labcorp
Classification: Likely benign for Hypokalemic periodic paralysis, type 1; Malignant hyperthermia, susceptibility to, 5. Last evaluated: 2025-12-03. Review status: criteria provided, single submitter. Criteria: Invitae Variant Classification Sherloc (09022015). Collection method: clinical testing. Allele origin: germline.

Color Diagnostics, LLC DBA Color Health
Classification: Uncertain significance for Malignant hyperthermia, susceptibility to, 5. Last evaluated: 2024-05-16. Review status: criteria provided, single submitter. Criteria: ACMG Guidelines, 2015. Collection method: clinical testing. Allele origin: germline.
Comment: This missense variant replaces alanine with valine at codon 1028 of the CACNA1S protein. Computational prediction suggests that this variant may not impact protein structure and function. To our knowledge, functional studies have not been reported for this variant. This variant has not been reported in individuals affected with CACNA1S-related disorders in the literature. This variant has been identified in 3/282672 chromosomes in the general population by the Genome Aggregation Database (gnomAD). The available evidence is insufficient to determine the role of this variant in disease conclusively. Therefore, this variant is classified as a Variant of Uncertain Significance.

Ambry Genetics
Classification: Uncertain significance for Inborn genetic diseases. Last evaluated: 2022-10-26. Review status: criteria provided, single submitter. Criteria: Ambry Variant Classification Scheme 2023. Collection method: clinical testing. Allele origin: germline.

NM_000069.3(CACNA1S):c.3083C>T (p.Ala1028Val)

Gene: CACNA1S (calcium voltage-gated channel subunit alpha1 S; minus strand). Cytogenetic location: 1q32.1.
Variant type: single nucleotide variant.
Coding change: c.3083C>T on transcript NM_000069.3 (MANE Select); coding-DNA position 3083, C replaced by T.
Protein change: p.Ala1028Val; replaces alanine 1028 with valine.
Molecular consequence: missense variant.
Genome position (GRCh38, 1-based): chr1:201,061,439, G>A on the plus strand (C>T on the coding strand, the complement: CACNA1S is on the minus strand). VCF-style: chr1-201061439-G-A. GRCh37 (hg19) VCF-style: chr1-201030567-G-A.
Other names: short protein forms A1028V.
Identifiers: ClinVar variation 943793 (VCV000943793.13), dbSNP rs751604155, ClinGen allele CA079538.